The following is an entry in ClinVar:

NM_004369.4(COL6A3):c.8846C>T (p.Pro2949Leu)

Gene: COL6A3 (collagen type VI alpha 3 chain; minus strand). Cytogenetic location: 2q37.3.
Variant type: single nucleotide variant.
Coding change: c.8846C>T on transcript NM_004369.4 (MANE Select); coding-DNA position 8846, C replaced by T.
Protein change: p.Pro2949Leu; replaces proline 2949 with leucine.
Molecular consequence: missense variant.
Genome position (GRCh38, 1-based): chr2:237,336,254, G>A on the plus strand (C>T on the coding strand, the complement: COL6A3 is on the minus strand). VCF-style: chr2-237336254-G-A. GRCh37 (hg19) VCF-style: chr2-238244897-G-A.
Other names: p.Pro2949Leu; c.7025C>T, p.Pro2342Leu (NM_057166.5); c.8228C>T, p.Pro2743Leu (NM_057167.4); short protein forms P2949L, P2342L, P2743L.
Identifiers: ClinVar variation 502371 (VCV000502371.18), dbSNP rs376021820, ClinGen allele CA2187433.
Genomic context (GRCh38, chr2:237,336,254, plus strand): 5'-ACCTCAGGCTTGGTCGCCACTGGTTTTGCAGCAGCAGCAGCGGGGGGTCTTACAGCTGCT[G>A]GCTTTGCTGCTACAGGCTTCGCTGCCGTTGCTGGCTTCACCGCCACTGGGGGTCTAACAG-3'
Protein context (NP_004360.2, residues 2939-2959): ATAAKPVAAK[Pro2949Leu]AAVRPPAAAA

ClinVar aggregate classification (germline): Conflicting classifications of pathogenicity. Review status: criteria provided, conflicting classifications (1 of 4 stars). 5 submissions from 5 submitters: Uncertain significance (4); Likely benign (1). Last evaluated 2025-11-03.

Conditions:
Inborn genetic diseases. Identifiers: MedGen C0950123, MeSH D030342.
Bethlem myopathy 1A. Also called: MYOPATHY, BENIGN CONGENITAL, WITH CONTRACTURES; Bethlem myopathy 1; Bethlem Muscular Dystrophy. Identifiers: Orphanet 610, MedGen CN029274, MONDO:0024530, OMIM 158810.

Allele frequency attached by ClinVar (database versions not stated): ExAC 0.00007; ESP Exome Variant Server 0.00008; gnomAD 0.00010; gnomAD exomes 0.00011; TOPMed 0.00012.
gnomAD v4.1: 86 of 1,614,056 alleles (0.0053%); highest among the groups gnomAD compares: Admixed American, 0.048%; no homozygotes.

Submissions (5):

Labcorp Genetics (formerly Invitae), Labcorp
Classification: Likely benign for Bethlem myopathy 1A. Last evaluated: 2025-11-03. Review status: criteria provided, single submitter. Criteria: Invitae Variant Classification Sherloc (09022015). Collection method: clinical testing. Allele origin: germline.

GeneDx
Classification: Uncertain significance. Last evaluated: 2025-03-22. Review status: criteria provided, single submitter. Criteria: GeneDx Variant Classification Process June 2021. Collection method: clinical testing. Allele origin: germline. Affected: yes.
Comment: In silico analysis indicates that this missense variant does not alter protein structure/function; Has not been previously published as pathogenic or benign to our knowledge

Ambry Genetics
Classification: Uncertain significance for Inborn genetic diseases. Last evaluated: 2024-12-24. Review status: criteria provided, single submitter. Criteria: Ambry Variant Classification Scheme 2023. Collection method: clinical testing. Allele origin: germline.

Mayo Clinic Laboratories, Mayo Clinic
Classification: Uncertain significance. Last evaluated: 2023-07-11. Review status: criteria provided, single submitter. Criteria: ACMG Guidelines, 2015. Collection method: clinical testing. Allele origin: germline. Observed: 1 variant allele.

Eurofins Ntd Llc (ga)
Classification: Uncertain significance. Last evaluated: 2017-06-05. Review status: criteria provided, single submitter. Criteria: EGL Classification Definitions 2015. Collection method: clinical testing. Allele origin: germline. Observed: 1 variant allele, 1 heterozygote.